The following is an entry in ClinVar:

ClinVar aggregate classification (germline): Uncertain significance. Review status: criteria provided, multiple submitters, no conflicts (2 of 4 stars). 2 submissions from 2 submitters: Uncertain significance (2). Last evaluated 2025-07-29.

Conditions:
Mucopolysaccharidosis type 1. Also called: IDUA deficiency; MPS I. Identifiers: Orphanet 579, MedGen C0023786, MONDO:0001586.

Allele frequency attached by ClinVar (database versions not stated): gnomAD 0.00001; TOPMed below 0.00001.
gnomAD v4.1: 12 of 1,480,654 alleles (0.00081%); highest among the groups gnomAD compares: Non-Finnish European, 0.00098%; no homozygotes.

Submissions (2):

Revvity Omics, Revvity
Classification: Uncertain significance. Last evaluated: 2025-07-29. Review status: criteria provided, single submitter. Criteria: ACMG Guidelines, 2015. Collection method: clinical testing. Allele origin: germline.

Labcorp Genetics (formerly Invitae), Labcorp
Classification: Uncertain significance for Mucopolysaccharidosis type 1. Last evaluated: 2023-10-14. Review status: criteria provided, single submitter. Criteria: Invitae Variant Classification Sherloc (09022015). Collection method: clinical testing. Allele origin: germline.
Comment: This sequence change replaces valine, which is neutral and non-polar, with glycine, which is neutral and non-polar, at codon 405 of the IDUA protein (p.Val405Gly). This variant is not present in population databases (gnomAD no frequency). This variant has not been reported in the literature in individuals affected with IDUA-related conditions. ClinVar contains an entry for this variant (Variation ID: 2432753). Advanced modeling of protein sequence and biophysical properties (such as structural, functional, and spatial information, amino acid conservation, physicochemical variation, residue mobility, and thermodynamic stability) has been performed at Invitae for this missense variant, however the output from this modeling did not meet the statistical confidence thresholds required to predict the impact of this variant on IDUA protein function. In summary, the available evidence is currently insufficient to determine the role of this variant in disease. Therefore, it has been classified as a Variant of Uncertain Significance.

NM_000203.5(IDUA):c.1214T>G (p.Val405Gly)

Gene: IDUA (alpha-L-iduronidase; plus strand). Cytogenetic location: 4p16.3.
Variant type: single nucleotide variant.
Coding change: c.1214T>G on transcript NM_000203.5 (MANE Select); coding-DNA position 1214, T replaced by G.
Protein change: p.Val405Gly; replaces valine 405 with glycine.
Molecular consequence: missense variant. On other transcripts: non-coding transcript variant (1).
Genome position (GRCh38, 1-based): chr4:1,002,756, T>G. VCF-style: chr4-1002756-T-G. GRCh37 (hg19) VCF-style: chr4-996544-T-G.
Other names: c.818T>G, p.Val273Gly (NM_001363576.1); short protein forms V273G, V405G.
Identifiers: ClinVar variation 2432753 (VCV002432753.4), dbSNP rs1715177435, ClinGen allele CA355963572.